The following is an entry in ClinVar:

ClinVar aggregate classification (germline): Conflicting classifications of pathogenicity. Review status: criteria provided, conflicting classifications (1 of 4 stars). 4 submissions from 3 submitters: Uncertain significance (2); Likely benign (1). 1 of the submissions does not count toward it. Last evaluated 2024-03-20.

Conditions:
Short-rib thoracic dysplasia 7 with or without polydactyly (SRTD7). Also called: Short rib polydactyly syndrome 5; SHORT-RIB THORACIC DYSPLASIA 7 WITH POLYDACTYLY. Identifiers: Orphanet 498497, Orphanet 93271, MedGen C3279792, MONDO:0013569, OMIM 614091.
Cranioectodermal dysplasia 2 (CED2). Identifiers: Orphanet 1515, MedGen C3150874, MONDO:0013323, OMIM 613610.
WDR35-related disorder. Also called: WDR35-related disorders; WDR35-related condition. Identifiers: MedGen CN239419.

Allele frequency attached by ClinVar (database versions not stated): gnomAD exomes below 0.00001 and 0.00002.
gnomAD v4.1: 24 of 1,613,812 alleles (0.0015%); highest among the groups gnomAD compares: Non-Finnish European, 0.002%; no homozygotes.

Submissions (4):

Labcorp Genetics (formerly Invitae), Labcorp
Classification: Likely benign for Cranioectodermal dysplasia 2; Short-rib thoracic dysplasia 7 with or without polydactyly. Last evaluated: 2024-03-20. Review status: criteria provided, single submitter. Criteria: Invitae Variant Classification Sherloc (09022015). Collection method: clinical testing. Allele origin: germline.

Illumina Laboratory Services, Illumina
Classification: Uncertain significance for Short-rib thoracic dysplasia 7 with or without polydactyly. Last evaluated: 2018-01-13. Review status: criteria provided, single submitter. Criteria: ICSL Variant Classification Criteria 13 December 2019. Collection method: clinical testing. Allele origin: germline.

Illumina Laboratory Services, Illumina
Classification: Uncertain significance for Cranioectodermal dysplasia 2. Last evaluated: 2018-01-13. Review status: criteria provided, single submitter. Criteria: ICSL Variant Classification Criteria 13 December 2019. Collection method: clinical testing. Allele origin: germline.

PreventionGenetics, part of Exact Sciences
Classification: Likely benign for WDR35-related condition. Last evaluated: 2023-08-15. Review status: no assertion criteria provided. Collection method: clinical testing. Allele origin: germline. Not counted in ClinVar's aggregate classification.
Comment: This variant is classified as likely benign based on ACMG/AMP sequence variant interpretation guidelines (Richards et al. 2015 PMID: 25741868, with internal and published modifications).

NM_020779.4(WDR35):c.273A>G (p.Glu91=)

Gene: WDR35 (WD repeat domain 35; minus strand). Cytogenetic location: 2p24.1.
Variant type: single nucleotide variant.
Coding change: c.273A>G on transcript NM_020779.4 (MANE Select); coding-DNA position 273, A replaced by G.
Protein change: p.Glu91=; no amino-acid change (glutamic acid 91 retained).
Molecular consequence: synonymous variant.
Genome position (GRCh38, 1-based): chr2:19,980,725, T>C on the plus strand (A>G on the coding strand, the complement: WDR35 is on the minus strand). VCF-style: chr2-19980725-T-C. GRCh37 (hg19) VCF-style: chr2-20180486-T-C.
Other names: c.273A>G, p.Glu91= (NM_001006657.2).
Identifiers: ClinVar variation 895270 (VCV000895270.8), dbSNP rs1558360162, ClinGen allele CA425134125.